The following is an entry in ClinVar:

ClinVar aggregate classification (germline): Pathogenic. Review status: criteria provided, multiple submitters, no conflicts (2 of 4 stars). 2 submissions from 2 submitters: Pathogenic (2). Last evaluated 2024-08-20.

Conditions:
Hereditary cancer-predisposing syndrome. Also called: Neoplastic Syndromes, Hereditary; Tumor predisposition; Hereditary Cancer Syndrome; Hereditary neoplastic syndrome. Identifiers: Orphanet 140162, MedGen C0027672, MeSH D009386, MONDO:0015356.
Lynch syndrome 5 (LYNCH5). Also called: Hereditary non-polyposis colorectal cancer, type 5; Colorectal cancer, hereditary nonpolyposis, type 5. Identifiers: Orphanet 144, MedGen C1833477, MONDO:0013710, OMIM 614350. Disease mechanism: loss of function.

Submissions (2):

Myriad Genetics, Inc.
Classification: Pathogenic for Lynch syndrome 5. Last evaluated: 2024-08-20. Review status: criteria provided, single submitter. Criteria: Myriad Autosomal Dominant, Autosomal Recessive and X-Linked Classification Criteria (2023). Collection method: clinical testing. Allele origin: unknown.
Comment: This variant is considered pathogenic. This variant creates a frameshift predicted to result in premature protein truncation.

Ambry Genetics
Classification: Pathogenic for Hereditary cancer-predisposing syndrome. Last evaluated: 2022-03-01. Review status: criteria provided, single submitter. Criteria: Ambry Variant Classification Scheme 2023. Collection method: clinical testing. Allele origin: germline.
Comment: The c.3302_3353dup52 variant, located in coding exon 5 of the MSH6 gene, results from a duplication of 52 amino acids at nucleotide position 3302, causing a translational frameshift with a predicted alternate stop codon (p.E1119Dfs*6). This alteration is expected to result in loss of function by premature protein truncation or nonsense-mediated mRNA decay. As such, this alteration is interpreted as a disease-causing mutation.

NM_000179.3(MSH6):c.3302_3353dup (p.Glu1118_Glu1119insAspPhePheTrpArgTer)

Gene: MSH6 (mutS homolog 6; plus strand). Cytogenetic location: 2p16.3.
Variant type: Duplication.
Coding change: c.3302_3353dup on transcript NM_000179.3 (MANE Select); coding-DNA positions 3302 to 3353, 52 bases duplicated.
Protein change: p.Glu1118_Glu1119insAspPhePheTrpArgTer.
Molecular consequence: nonsense, inframe insertion. On other transcripts: frameshift variant (38).
Genome position (GRCh38, 1-based): chr2:47,803,549-47,803,600, 52 bases duplicated. GRCh37 (hg19): chr2:48,030,688-48,030,739.
Other names: c.2912_2963dup, p.Glu988_Glu989insAspPhePheTrpArgTer (NM_001281492.2); c.2396_2447dup, p.Glu816_Glu817insAspPhePheTrpArgTer (NM_001281493.2, NM_001281494.2); c.3398_3449dup, p.Glu1151Aspfs (NM_001406795.1, NM_001406802.1); c.3302_3353dup, p.Glu1119Aspfs (NM_001406796.1, NM_001406800.1, NM_001406808.1 and 1 more transcripts); c.3005_3056dup, p.Glu1020Aspfs (NM_001406797.1, NM_001406801.1, NM_001406805.1 and 10 more transcripts); c.2777_2828dup, p.Glu944Aspfs (NM_001406799.1, NM_001406806.1, NM_001406807.1); c.2438_2489dup, p.Glu831Aspfs (NM_001406803.1); c.3224_3275dup, p.Glu1093Aspfs (NM_001406804.1); and 8 more.
Identifiers: ClinVar variation 1729995 (VCV001729995.3), dbSNP rs2530766606, ClinGen allele CA2580067048.